The following is an entry in ClinVar:

ClinVar aggregate classification (germline): Uncertain significance (1 of 4 stars; one submission).

Allele frequency attached by ClinVar (database versions not stated): gnomAD exomes below 0.00001.
gnomAD v4.1: 1 of 1,597,664 alleles (0.000063%); highest among the groups gnomAD compares: East Asian, 0.0023%; no homozygotes.

Submission:

Labcorp Genetics (formerly Invitae), Labcorp
Classification: Uncertain significance. Last evaluated: 2024-08-12. Review status: criteria provided, single submitter. Criteria: Invitae Variant Classification Sherloc (09022015). Collection method: clinical testing. Allele origin: germline.
Comment: This sequence change replaces cysteine, which is neutral and slightly polar, with tyrosine, which is neutral and polar, at codon 8 of the RAI1 protein (p.Cys8Tyr). This variant is present in population databases (no rsID available, gnomAD 0.006%). This variant has not been reported in the literature in individuals affected with RAI1-related conditions. ClinVar contains an entry for this variant (Variation ID: 1460665). Advanced modeling of protein sequence and biophysical properties (such as structural, functional, and spatial information, amino acid conservation, physicochemical variation, residue mobility, and thermodynamic stability) has been performed at Invitae for this missense variant, however the output from this modeling did not meet the statistical confidence thresholds required to predict the impact of this variant on RAI1 protein function. In summary, the available evidence is currently insufficient to determine the role of this variant in disease. Therefore, it has been classified as a Variant of Uncertain Significance.

NM_030665.4(RAI1):c.23G>A (p.Cys8Tyr)

Gene: RAI1 (retinoic acid induced 1; plus strand). Cytogenetic location: 17p11.2.
Variant type: single nucleotide variant.
Coding change: c.23G>A on transcript NM_030665.4 (MANE Select); coding-DNA position 23, G replaced by A.
Protein change: p.Cys8Tyr; replaces cysteine 8 with tyrosine.
Molecular consequence: missense variant.
Genome position (GRCh38, 1-based): chr17:17,792,971, G>A. VCF-style: chr17-17792971-G-A. GRCh37 (hg19) VCF-style: chr17-17696285-G-A.
Other names: short protein forms C8Y.
Identifiers: ClinVar variation 1460665 (VCV001460665.6), dbSNP rs1284948039, ClinGen allele CA398544580.
Genomic context (GRCh38, chr17:17,792,971, plus strand): 5'-CCCTTCCTTTTTCTTTTCACAGATAACCAGCCCGAGTCATGCAGTCTTTTCGAGAAAGGT[G>A]TGGTTTCCATGGCAAACAACAGAACTACCAGCAGACCTCGCAGGAAACATCACGCCTAGA-3'
Protein context (NP_109590.3, residues 1-18): MQSFRER[Cys8Tyr]GFHGKQQNYQ